The following is an entry in ClinVar:

NM_000824.5(GLRB):c.587G>A (p.Arg196His)

Gene: GLRB (glycine receptor beta; plus strand). Cytogenetic location: 4q32.1.
Variant type: single nucleotide variant.
Coding change: c.587G>A on transcript NM_000824.5 (MANE Select); coding-DNA position 587, G replaced by A.
Protein change: p.Arg196His; replaces arginine 196 with histidine.
Molecular consequence: missense variant.
Genome position (GRCh38, 1-based): chr4:157,136,863, G>A. VCF-style: chr4-157136863-G-A. GRCh37 (hg19) VCF-style: chr4-158058015-G-A.
Other names: c.587G>A, p.Arg196His (NM_001166060.2, NM_001166061.2); short protein forms R196H.
Identifiers: ClinVar variation 1406512 (VCV001406512.3), dbSNP rs141976916, ClinGen allele CA3119803.

ClinVar aggregate classification (germline): Uncertain significance (1 of 4 stars; one submission).

Conditions:
Hyperekplexia 2 (HKPX2). Identifiers: Orphanet 3197, MedGen C3553291, MONDO:0013828, OMIM 614619.

Allele frequency attached by ClinVar (database versions not stated): ExAC 0.00003; gnomAD 0.00004; gnomAD exomes 0.00005 and 0.00009; TOPMed 0.00006; ESP Exome Variant Server 0.00015.

Submission:

Labcorp Genetics (formerly Invitae), Labcorp
Classification: Uncertain significance for Hyperekplexia 2. Last evaluated: 2022-07-19. Review status: criteria provided, single submitter. Criteria: Invitae Variant Classification Sherloc (09022015). Collection method: clinical testing. Allele origin: germline.
Comment: This sequence change replaces arginine, which is basic and polar, with histidine, which is basic and polar, at codon 196 of the GLRB protein (p.Arg196His). This variant is present in population databases (rs141976916, gnomAD 0.01%). This variant has not been reported in the literature in individuals affected with GLRB-related conditions. ClinVar contains an entry for this variant (Variation ID: 1406512). Advanced modeling of protein sequence and biophysical properties (such as structural, functional, and spatial information, amino acid conservation, physicochemical variation, residue mobility, and thermodynamic stability) performed at Invitae indicates that this missense variant is not expected to disrupt GLRB protein function. In summary, the available evidence is currently insufficient to determine the role of this variant in disease. Therefore, it has been classified as a Variant of Uncertain Significance.